The following is an entry in ClinVar:

ClinVar aggregate classification (germline): Uncertain significance (1 of 4 stars; one submission).

Submission:

GeneDx
Classification: Uncertain significance. Last evaluated: 2026-04-08. Review status: criteria provided, single submitter. Criteria: GeneDx Variant Classification Process June 2021. Collection method: clinical testing. Allele origin: germline.
Comment: Not observed at significant frequency in large population cohorts (gnomAD); In silico analysis supports that this missense variant has a deleterious effect on protein structure/function; Has not been previously published as pathogenic or benign to our knowledge

NM_001256012.3(MYH10):c.1787A>G (p.Tyr596Cys)

Gene: MYH10 (myosin heavy chain 10; minus strand). Cytogenetic location: 17p13.1.
Variant type: single nucleotide variant.
Coding change: c.1787A>G on transcript NM_001256012.3 (MANE Select); coding-DNA position 1787, A replaced by G.
Protein change: p.Tyr596Cys; replaces tyrosine 596 with cysteine.
Molecular consequence: missense variant.
Genome position (GRCh38, 1-based): chr17:8,535,494, T>C on the plus strand (A>G on the coding strand, the complement: MYH10 is on the minus strand). VCF-style: chr17-8535494-T-C. GRCh37 (hg19) VCF-style: chr17-8438812-T-C.
Other names: c.1784A>G, p.Tyr595Cys (NM_001256095.2); c.1787A>G, p.Tyr596Cys (NM_001375266.1); c.1757A>G, p.Tyr586Cys (NM_005964.5); short protein forms Y586C, Y595C, Y596C.
Identifiers: ClinVar variation 5018338 (VCV005018338.1).
Genomic context (GRCh38, chr17:8,535,494, plus strand): 5'-AGGGTGGCCACGTTGTCATTCAGGGGGTCCATATTCTTCATCAGCCACTCATCTGCCTTA[T>C]AGTCCACCTATCCCGCACCAAAGCCAAAAGTGGTGAAATGGAGAACACAAAACCAAATGC-3'
Protein context (NP_001242941.1, residues 586-606): CIIHYAGKVD[Tyr596Cys]KADEWLMKNM